The following is an entry in ClinVar:

ClinVar aggregate classification (germline): Likely benign. Review status: criteria provided, multiple submitters, no conflicts (2 of 4 stars). 2 submissions from 2 submitters: Likely benign (2). Last evaluated 2018-06-12.

Allele frequency attached by ClinVar (database versions not stated): TOPMed 0.00758; 1000 Genomes Project 0.00998; 1000 Genomes Project 30x 0.00999.
gnomAD v4.1: 4,805 of 409,524 alleles (1.2%); highest among the groups gnomAD compares: East Asian, 1.7%; 49 homozygotes.

Submissions (2):

GeneDx
Classification: Likely benign. Last evaluated: 2018-06-12. Review status: criteria provided, single submitter. Criteria: GeneDx Variant Classification (06012015). Collection method: clinical testing. Allele origin: germline. Affected: yes.
Comment: This variant is considered likely benign or benign based on one or more of the following criteria: it is a conservative change, it occurs at a poorly conserved position in the protein, it is predicted to be benign by multiple in silico algorithms, and/or has population frequency not consistent with disease.

Breakthrough Genomics
Classification: Likely benign. Review status: criteria provided, single submitter. Criteria: ACMG Guidelines, 2015. Collection method: not provided. Allele origin: germline. Inheritance: Autosomal dominant inheritance. Affected: yes.

NM_000264.5(PTCH1):c.394+212C>A

Gene: PTCH1 (patched 1; minus strand). Cytogenetic location: 9q22.32.
Variant type: single nucleotide variant.
Coding change: c.394+212C>A on transcript NM_000264.5 (MANE Select); 212 bases into the intron after coding-DNA position 394, C replaced by A.
Molecular consequence: intron variant.
Genome position (GRCh38, 1-based): chr9:95,506,195, G>T on the plus strand (C>A on the coding strand, the complement: PTCH1 is on the minus strand). VCF-style: chr9-95506195-G-T. GRCh37 (hg19) VCF-style: chr9-98268477-G-T.
Other names: c.391+212C>A (NM_001083603.3); c.196+212C>A (NM_001083602.3, NM_001354919.2); c.394+212C>A (NM_001354918.2); c.-60+212C>A (NM_001083605.3, NM_001083604.3, NM_001083606.3 and 1 more transcripts).
Identifiers: ClinVar variation 676868 (VCV000676868.2), dbSNP rs191867316, ClinGen allele CA196552685.